The following is an entry in ClinVar:

ClinVar aggregate classification (germline): Uncertain significance (1 of 4 stars; one submission).

Allele frequency attached by ClinVar (database versions not stated): gnomAD exomes below 0.00001; TOPMed below 0.00001.
gnomAD v4.1: 2 of 1,613,952 alleles (0.00012%); highest among the groups gnomAD compares: Non-Finnish European, 0.00017%; no homozygotes.

Submission:

Labcorp Genetics (formerly Invitae), Labcorp
Classification: Uncertain significance. Last evaluated: 2022-06-13. Review status: criteria provided, single submitter. Criteria: Invitae Variant Classification Sherloc (09022015). Collection method: clinical testing. Allele origin: germline.
Comment: This sequence change replaces arginine, which is basic and polar, with lysine, which is basic and polar, at codon 1877 of the PCDH15 protein (p.Arg1877Lys). This variant is not present in population databases (gnomAD no frequency). This variant has not been reported in the literature in individuals affected with PCDH15-related conditions. Algorithms developed to predict the effect of missense changes on protein structure and function output the following: SIFT: "Tolerated"; PolyPhen-2: "Not Available"; Align-GVGD: "Class C0". The lysine amino acid residue is found in multiple mammalian species, which suggests that this missense change does not adversely affect protein function. In summary, the available evidence is currently insufficient to determine the role of this variant in disease. Therefore, it has been classified as a Variant of Uncertain Significance.

NM_033056.4(PCDH15):c.5630G>A (p.Arg1877Lys)

Gene: PCDH15 (protocadherin related 15; minus strand). Cytogenetic location: 10q21.1.
Variant type: single nucleotide variant.
Coding change: c.5630G>A on transcript NM_033056.4 (MANE Plus Clinical); coding-DNA position 5630, G replaced by A.
Protein change: p.Arg1877Lys; replaces arginine 1877 with lysine.
Molecular consequence: missense variant. On other transcripts: intron variant (8).
Genome position (GRCh38, 1-based): chr10:53,822,096, C>T on the plus strand (G>A on the coding strand, the complement: PCDH15 is on the minus strand). VCF-style: chr10-53822096-C-T. GRCh37 (hg19) VCF-style: chr10-55581856-C-T.
Other names: c.5651G>A, p.Arg1884Lys (NM_001142763.2); c.5636G>A, p.Arg1879Lys (NM_001142764.2); c.5423G>A, p.Arg1808Lys (NM_001142765.2); c.5621G>A, p.Arg1874Lys (NM_001142766.2); c.5510G>A, p.Arg1837Lys (NM_001142767.2); c.5570G>A, p.Arg1857Lys (NM_001142768.2); c.5561G>A, p.Arg1854Lys (NM_001142773.2); c.5564G>A, p.Arg1855Lys (NM_001354404.2); and 7 more; short protein forms R1808K, R1837K, R1879K, R1884K, R1854K, R1855K, R1857K, R1874K.
Identifiers: ClinVar variation 2004406 (VCV002004406.1), dbSNP rs1162730485, ClinGen allele CA376524566.
Genomic context (GRCh38, chr10:53,822,096, plus strand): 5'-GCTACTGATTTTTCAAGTTCTGCTAAGTTTTTAACGTGTCTGAGGATGCCTTTTGGTTCT[C>T]TCTGAGGGTCTGTTTTACACACTGTCGTTGTTGATAGCTGTGTCATAGAGGACTTAATTT-3'
Protein context (NP_149045.3, residues 1867-1887): TTTVCKTDPQ[Arg1877Lys]EPKGILRHVK